The following is an entry in ClinVar:

ClinVar aggregate classification (germline): Likely pathogenic (1 of 4 stars; one submission).

Submission:

Labcorp Genetics (formerly Invitae), Labcorp
Classification: Likely pathogenic. Last evaluated: 2021-08-04. Review status: criteria provided, single submitter. Criteria: Invitae Variant Classification Sherloc (09022015). Collection method: clinical testing. Allele origin: germline.
Comment: In summary, the currently available evidence indicates that the variant is pathogenic, but additional data are needed to prove that conclusively. Therefore, this variant has been classified as Likely Pathogenic. This variant has not been reported in the literature in individuals with COL4A5-related conditions. This variant results in a copy number gain of the genomic region encompassing exon(s) 14-45 of the COL4A5 gene. While the exact position of this variant cannot be determined from the data, sub-genic copy number gains are generally in tandem (PMID: 25640679). This variant is predicted to be out-of-frame, and may result in an absent or disrupted protein product. Loss-of-function variants in COL4A5 are known to be pathogenic (PMID: 9195222, 10752524, 14514738, 24854265, 26809805).

Literature cited by the submitters: PubMed 25640679; PubMed 9195222; PubMed 10752524; PubMed 14514738; PubMed 24854265; PubMed 26809805.

NC_000023.10:g.(?_107823743)_(107925138_?)dup

Gene: COL4A5 (collagen type IV alpha 5 chain; plus strand). Cytogenetic location: Xq22.3.
Variant type: Duplication.
Identifiers: ClinVar variation 1498464 (VCV001498464.4).